The following is an entry in ClinVar:

ClinVar aggregate classification (germline): Likely benign. Review status: criteria provided, multiple submitters, no conflicts (2 of 4 stars). 2 submissions from 2 submitters: Likely benign (2). Last evaluated 2024-12-16.

Conditions:
Landau-Kleffner syndrome (FESD). Also called: EPILEPSY, FOCAL, WITH SPEECH DISORDER AND WITH OR WITHOUT MENTAL RETARDATION; APHASIA, ACQUIRED, WITH EPILEPSY. Identifiers: Orphanet 1945, Orphanet 725, Orphanet 98818, MedGen C0282512, MONDO:0009509, OMIM 245570.

Allele frequency attached by ClinVar (database versions not stated): gnomAD exomes below 0.00001; TOPMed below 0.00001; gnomAD 0.00001.
gnomAD v4.1: 6 of 1,613,590 alleles (0.00037%); highest among the groups gnomAD compares: Non-Finnish European, 0.00051%; no homozygotes.

Submissions (2):

Labcorp Genetics (formerly Invitae), Labcorp
Classification: Likely benign for Landau-Kleffner syndrome. Last evaluated: 2024-12-16. Review status: criteria provided, single submitter. Criteria: Invitae Variant Classification Sherloc (09022015). Collection method: clinical testing. Allele origin: germline.

CeGaT Center for Human Genetics Tuebingen
Classification: Likely benign. Last evaluated: 2024-01-01. Review status: criteria provided, single submitter. Criteria: CeGaT Center For Human Genetics Tuebingen Variant Classification Criteria Version 2. Collection method: clinical testing. Allele origin: germline. Affected: yes. Observed: 1 variant allele.
Comment: GRIN2A: BP4, BP7

NM_001134407.3(GRIN2A):c.1347G>A (p.Gly449=)

Gene: GRIN2A (glutamate ionotropic receptor NMDA type subunit 2A; minus strand). Cytogenetic location: 16p13.2.
Variant type: single nucleotide variant.
Coding change: c.1347G>A on transcript NM_001134407.3 (MANE Select); coding-DNA position 1347, G replaced by A.
Protein change: p.Gly449=; no amino-acid change (glycine 449 retained).
Molecular consequence: synonymous variant.
Genome position (GRCh38, 1-based): chr16:9,841,086, C>T on the plus strand (G>A on the coding strand, the complement: GRIN2A is on the minus strand). VCF-style: chr16-9841086-C-T. GRCh37 (hg19) VCF-style: chr16-9934943-C-T.
Other names: c.1347G>A, p.Gly449= (NM_000833.5, NM_001134408.2).
Identifiers: ClinVar variation 3026198 (VCV003026198.24), dbSNP rs2042669518, ClinGen allele CA493686476.